The following is an entry in ClinVar:

NM_025114.4(CEP290):c.3402T>C (p.Asp1134=)

Gene: CEP290 (centrosomal protein 290; minus strand). Cytogenetic location: 12q21.32.
Variant type: single nucleotide variant.
Coding change: c.3402T>C on transcript NM_025114.4 (MANE Select); coding-DNA position 3402, T replaced by C.
Protein change: p.Asp1134=; no amino-acid change (aspartic acid 1134 retained).
Molecular consequence: synonymous variant.
Genome position (GRCh38, 1-based): chr12:88,092,740, A>G on the plus strand (T>C on the coding strand, the complement: CEP290 is on the minus strand). VCF-style: chr12-88092740-A-G. GRCh37 (hg19) VCF-style: chr12-88486517-A-G.
Other names: c.3402T>C (NM_025114.3).
Identifiers: ClinVar variation 1112743 (VCV001112743.11), dbSNP rs976423527, ClinGen allele CA241167715.

ClinVar aggregate classification (germline): Likely benign. Review status: criteria provided, multiple submitters, no conflicts (2 of 4 stars). 3 submissions from 3 submitters: Likely benign (2). 1 of the submissions does not count toward it. Last evaluated 2025-03-17.

Conditions:
CEP290-related disorder. Also called: CEP290-related condition; CEP290-related disorders. Identifiers: MedGen CN239314.
Meckel-Gruber syndrome. Also called: DYSENCEPHALIA SPLANCHNOCYSTICA; GRUBER SYNDROME; Dysencephalia splachnocystica. Identifiers: Orphanet 564, MedGen C0265215, MONDO:0018921.
Joubert syndrome. Also called: JOUBERT-BOLTSHAUSER SYNDROME; Familial aplasia of the vermis. Identifiers: Orphanet 475, MedGen C5979921, MONDO:0018772.
Nephronophthisis. Also called: Juvenile Nephronophthisis. Identifiers: Orphanet 655, MedGen C0687120, MONDO:0019005, HP:0000090.

Allele frequency attached by ClinVar (database versions not stated): gnomAD exomes 0.00001; TOPMed 0.00001; gnomAD 0.00002.
gnomAD v4.1: 21 of 1,610,182 alleles (0.0013%); highest among the groups gnomAD compares: African/African-American, 0.004%; no homozygotes.

Submissions (3):

Labcorp Genetics (formerly Invitae), Labcorp
Classification: Likely benign for Joubert syndrome; Meckel-Gruber syndrome; Nephronophthisis. Last evaluated: 2025-03-17. Review status: criteria provided, single submitter. Criteria: Invitae Variant Classification Sherloc (09022015). Collection method: clinical testing. Allele origin: germline.

Blueprint Genetics
Classification: Likely benign. Last evaluated: 2019-09-26. Review status: criteria provided, single submitter. Criteria: ACMG Guidelines, 2015. Collection method: clinical testing. Allele origin: germline.

PreventionGenetics, part of Exact Sciences
Classification: Likely benign for CEP290-related condition. Last evaluated: 2024-04-06. Review status: no assertion criteria provided. Collection method: clinical testing. Allele origin: germline. Not counted in ClinVar's aggregate classification.
Comment: This variant is classified as likely benign based on ACMG/AMP sequence variant interpretation guidelines (Richards et al. 2015 PMID: 25741868, with internal and published modifications).